The following is an entry in ClinVar:

NM_007078.3(LDB3):c.572A>G (p.Gln191Arg)

Gene: LDB3 (LIM domain binding 3; plus strand). Cytogenetic location: 10q23.2.
Variant type: single nucleotide variant.
Coding change: c.572A>G on transcript NM_007078.3 (MANE Select); coding-DNA position 572, A replaced by G.
Protein change: p.Gln191Arg; replaces glutamine 191 with arginine.
Molecular consequence: missense variant. On other transcripts: intron variant (5).
Genome position (GRCh38, 1-based): chr10:86,681,686, A>G. VCF-style: chr10-86681686-A-G. GRCh37 (hg19) VCF-style: chr10-88441443-A-G.
Other names: c.572A>G, p.Gln191Arg (NM_001080115.2, NM_001171610.2, NM_001171611.2 and 3 more transcripts); c.321+1529A>G (NM_001368068.1, NM_001368066.1, NM_001080114.2 and 2 more transcripts); short protein forms Q191R.
Identifiers: ClinVar variation 1749314 (VCV001749314.3), dbSNP rs1360307628, ClinGen allele CA377454809.

ClinVar aggregate classification (germline): Uncertain significance. Review status: criteria provided, multiple submitters, no conflicts (2 of 4 stars). 2 submissions from 2 submitters: Uncertain significance (2). Last evaluated 2026-04-27.

Conditions:
Cardiovascular phenotype. Identifiers: MedGen CN230736.

gnomAD v4.1: 8 of 1,613,606 alleles (0.0005%); highest among the groups gnomAD compares: South Asian, 0.0088%; no homozygotes.

Submissions (2):

Women's Health and Genetics/Laboratory Corporation of America, LabCorp
Classification: Uncertain significance. Last evaluated: 2026-04-27. Review status: criteria provided, single submitter. Criteria: LabCorp Variant Classification Summary - May 2015. Collection method: clinical testing. Allele origin: germline.
Comment: Variant summary: LDB3 c.572A>G (p.Gln191Arg) results in a conservative amino acid change in the encoded protein sequence. Algorithms developed to predict the effect of missense changes on protein structure and function all suggest that this variant is likely to be tolerated. The variant allele was found at a frequency of 4e-06 in 250514 control chromosomes. The available data on variant occurrences in the general population are insufficient to allow any conclusion about variant significance. To our knowledge, no occurrence of c.572A>G in individuals affected with LDB3-related conditions and no experimental evidence demonstrating its impact on protein function have been reported. ClinVar contains an entry for this variant (Variation ID: 1749314). Based on the evidence outlined above, the variant was classified as uncertain significance.

Ambry Genetics
Classification: Uncertain significance for Cardiovascular phenotype. Last evaluated: 2020-01-07. Review status: criteria provided, single submitter. Criteria: Ambry Variant Classification Scheme 2023. Collection method: clinical testing. Allele origin: germline.
Comment: The p.Q191R variant (also known as c.572A>G), located in coding exon 4 of the LDB3 gene, results from an A to G substitution at nucleotide position 572. The glutamine at codon 191 is replaced by arginine, an amino acid with highly similar properties. This amino acid position is well conserved in available vertebrate species; however, arginine is the reference amino acid in other vertebrate species. In addition, this alteration is predicted to be tolerated by in silico analysis. Since supporting evidence is limited at this time, the clinical significance of this alteration remains unclear.